The following is an entry in ClinVar:

NM_022455.5(NSD1):c.4801del (p.Glu1601fs)

Gene: NSD1 (nuclear receptor binding SET domain protein 1; plus strand). Cytogenetic location: 5q35.3.
Variant type: Deletion.
Coding change: c.4801del on transcript NM_022455.5 (MANE Select); coding-DNA position 4801, one base deleted (G; older notation c.4801delG).
Protein change: p.Glu1601fs; shifts the reading frame from glutamic acid 1601.
Molecular consequence: frameshift variant.
Genome position (GRCh38, 1-based): chr5:177,256,986, G deleted; the last of 4 consecutive G bases (chr5:177,256,983-177,256,986); deleting any one gives the same sequence. VCF-style (leftmost placement, unchanged base first): chr5-177256982-TG-T. GRCh37 (hg19) VCF-style: chr5-176683983-TG-T.
Other names: c.3928delG, p.Glu1310Lysfs (NM_001365684.2, NM_001409308.1, NM_001409309.1 and 1 more transcripts); c.4801delG, p.Glu1601Lysfs (NM_001409301.1, NM_001409302.1, NM_001409303.1); c.4381delG, p.Glu1461Lysfs (NM_001409304.1); c.4048delG, p.Glu1350Lysfs (NM_001409305.1); c.4039delG, p.Glu1347Lysfs (NM_001409306.1, NM_001409307.1); short protein forms E1332fs, E1601fs.
Identifiers: ClinVar variation 418638 (VCV000418638.2), dbSNP rs1064793336, ClinGen allele CA16618175.

ClinVar aggregate classification (germline): Pathogenic (1 of 4 stars; one submission).

Submission:

GeneDx
Classification: Pathogenic. Last evaluated: 2018-01-29. Review status: criteria provided, single submitter. Criteria: GeneDx Variant Classification (06012015). Collection method: clinical testing. Allele origin: germline. Affected: yes.
Comment: This pathogenic variant is predicted to cause loss of normal protein function either through protein truncation or nonsense-mediated mRNA decay. Although this variant has not been previously reported to our knowledge, we interpret it as pathogenic.